The following is an entry in ClinVar:

NM_052989.3(IFT122):c.2783T>A (p.Ile928Lys)

Gene: IFT122 (intraflagellar transport 122; plus strand). Cytogenetic location: 3q22.1.
Variant type: single nucleotide variant.
Coding change: c.2783T>A on transcript NM_052989.3 (MANE Select); coding-DNA position 2783, T replaced by A.
Protein change: p.Ile928Lys; replaces isoleucine 928 with lysine.
Molecular consequence: missense variant.
Genome position (GRCh38, 1-based): chr3:129,506,541, T>A. VCF-style: chr3-129506541-T-A. GRCh37 (hg19) VCF-style: chr3-129225384-T-A.
Other names: c.2759T>A, p.Ile920Lys (NM_001280541.2); c.2333T>A, p.Ile778Lys (NM_001280545.2); c.2156T>A, p.Ile719Lys (NM_001280546.2); c.2606T>A, p.Ile869Lys (NM_018262.4); c.2936T>A, p.Ile979Lys (NM_052985.4); c.2450T>A, p.Ile817Lys (NM_052990.3); short protein forms I719K, I817K, I928K, I869K, I778K, I920K, I979K.
Identifiers: ClinVar variation 835061 (VCV000835061.9), dbSNP rs747428443, ClinGen allele CA354485266.

ClinVar aggregate classification (germline): Uncertain significance (1 of 4 stars; one submission).

Conditions:
Cranioectodermal dysplasia 1 (CED1). Also called: LEVIN SYNDROME I. Identifiers: Orphanet 1515, MedGen C0432235, MONDO:0021093, OMIM 218330.

Submission:

Labcorp Genetics (formerly Invitae), Labcorp
Classification: Uncertain significance for Cranioectodermal dysplasia 1. Last evaluated: 2019-02-19. Review status: criteria provided, single submitter. Criteria: Invitae Variant Classification Sherloc (09022015). Collection method: clinical testing. Allele origin: germline.
Comment: In summary, the available evidence is currently insufficient to determine the role of this variant in disease. Therefore, it has been classified as a Variant of Uncertain Significance. Algorithms developed to predict the effect of missense changes on protein structure and function are either unavailable or do not agree on the potential impact of this missense change (SIFT: "Deleterious"; PolyPhen-2: "Benign"; Align-GVGD: "Class C0"). This variant has not been reported in the literature in individuals with IFT122-related conditions. This variant is not present in population databases (ExAC no frequency). This sequence change replaces isoleucine with lysine at codon 979 of the IFT122 protein (p.Ile979Lys). The isoleucine residue is moderately conserved and there is a moderate physicochemical difference between isoleucine and lysine.